The following is an entry in ClinVar:

ClinVar aggregate classification (germline): Uncertain significance (1 of 4 stars; one submission).

Conditions:
Hereditary cancer-predisposing syndrome. Also called: Neoplastic Syndromes, Hereditary; Tumor predisposition; Hereditary Cancer Syndrome; Hereditary neoplastic syndrome. Identifiers: Orphanet 140162, MedGen C0027672, MeSH D009386, MONDO:0015356.

Submission:

Ambry Genetics
Classification: Uncertain significance for Hereditary cancer-predisposing syndrome. Last evaluated: 2025-08-29. Review status: criteria provided, single submitter. Criteria: Ambry Variant Classification Scheme 2023. Collection method: clinical testing. Allele origin: germline.
Comment: The p.K689E variant (also known as c.2065A>G), located in coding exon 13 of the SMARCA4 gene, results from an A to G substitution at nucleotide position 2065. The lysine at codon 689 is replaced by glutamic acid, an amino acid with similar properties. This amino acid position is conserved. In addition, the in silico prediction for this alteration is inconclusive. Based on the available evidence, the clinical significance of this variant remains unclear.

NM_003072.5(SMARCA4):c.2065A>G (p.Lys689Glu)

Gene: SMARCA4 (SWI/SNF related BAF chromatin remodeling complex subunit ATPase 4; plus strand). Cytogenetic location: 19p13.2.
Variant type: single nucleotide variant.
Coding change: c.2065A>G on transcript NM_003072.5 (MANE Select); coding-DNA position 2065, A replaced by G.
Protein change: p.Lys689Glu; replaces lysine 689 with glutamic acid.
Molecular consequence: missense variant. On other transcripts: non-coding transcript variant (1).
Genome position (GRCh38, 1-based): chr19:11,007,965, A>G. VCF-style: chr19-11007965-A-G. GRCh37 (hg19) VCF-style: chr19-11118641-A-G.
Other names: c.2065A>G, p.Lys689Glu (NM_001128844.3, NM_001128845.2, NM_001128846.2 and 6 more transcripts); short protein forms K689E.
Identifiers: ClinVar variation 4170185 (VCV004170185.1).